The following is an entry in ClinVar:

ClinVar aggregate classification (germline): Likely pathogenic (1 of 4 stars; one submission).

Conditions:
Ehlers-Danlos syndrome, type 4 (EDSVASC). Also called: Ehlers-Danlos Syndrome Type IV; Ehlers-Danlos syndrome vascular type; Ehlers Danlos syndrome, ecchymotic type; Ehlers Danlos syndrome, arterial type; Ehlers Danlos syndrome, Sack-Barabas type. Identifiers: Orphanet 286, MedGen C0268338, MONDO:0017314, OMIM 130050.

Submission:

Labcorp Genetics (formerly Invitae), Labcorp
Classification: Likely pathogenic for Ehlers-Danlos syndrome, type 4. Last evaluated: 2016-08-10. Review status: criteria provided, single submitter. Criteria: Invitae Variant Classification Sherloc (09022015). Collection method: clinical testing. Allele origin: germline.
Comment: This sequence change replaces glycine with valine at codon 315 of the COL3A1 protein (p.Gly315Val). The glycine residue is highly conserved and there is a moderate physicochemical difference between glycine and valine. In summary, this variant is a novel missense change that affects one of the glycine residues within the triple helix of the COL3A1 protein. For these reasons, it has been classified as Likely Pathogenic. Glycine residues within the triple helix region are important for fibrillar collagens structure and stability (PMID: 7695699, 19344236). In the case of COL3A1 the majority of the missense substitutions at the triple helix domain affect glycine residues (PMID: 24922459, 25758994). This variant is not present in population databases (ExAC no frequency) and has not been reported in the literature in individuals with a COL3A1-related disease.

Literature cited by the submitters: PubMed 7695699; PubMed 19344236; PubMed 24922459; PubMed 25758994.

NM_000090.4(COL3A1):c.944G>T (p.Gly315Val)

Gene: COL3A1 (collagen type III alpha 1 chain; plus strand). Cytogenetic location: 2q32.2.
Variant type: single nucleotide variant.
Coding change: c.944G>T on transcript NM_000090.4 (MANE Select); coding-DNA position 944, G replaced by T.
Protein change: p.Gly315Val; replaces glycine 315 with valine.
Molecular consequence: missense variant.
Genome position (GRCh38, 1-based): chr2:188,991,715, G>T. VCF-style: chr2-188991715-G-T. GRCh37 (hg19) VCF-style: chr2-189856441-G-T.
Other names: short protein forms G315V.
Identifiers: ClinVar variation 404297 (VCV000404297.11), dbSNP rs587779487, ClinGen allele CA16610591.